The following is an entry in ClinVar:

ClinVar aggregate classification (germline): Uncertain significance. Review status: criteria provided, multiple submitters, no conflicts (2 of 4 stars). 2 submissions from 2 submitters: Uncertain significance (2). Last evaluated 2025-11-19.

gnomAD v4.1: 20 of 1,574,006 alleles (0.0013%); highest among the groups gnomAD compares: Non-Finnish European, 0.0017%; no homozygotes.

Submissions (2):

Ambry Genetics
Classification: Uncertain significance. Last evaluated: 2025-11-19. Review status: criteria provided, single submitter. Criteria: Ambry Variant Classification Scheme 2023. Collection method: clinical testing. Allele origin: germline.

Labcorp Genetics (formerly Invitae), Labcorp
Classification: Uncertain significance. Last evaluated: 2025-09-10. Review status: criteria provided, single submitter. Criteria: Invitae Variant Classification Sherloc (09022015). Collection method: clinical testing. Allele origin: germline.
Comment: This sequence change replaces proline, which is neutral and non-polar, with leucine, which is neutral and non-polar, at codon 142 of the LZTS1 protein (p.Pro142Leu). This variant is not present in population databases (gnomAD no frequency). This variant has not been reported in the literature in individuals affected with LZTS1-related conditions. Invitae Evidence Modeling of protein sequence and biophysical properties (such as structural, functional, and spatial information, amino acid conservation, physicochemical variation, residue mobility, and thermodynamic stability) indicates that this missense variant is not expected to disrupt LZTS1 protein function with a negative predictive value of 80%. In summary, the available evidence is currently insufficient to determine the role of this variant in disease. Therefore, it has been classified as a Variant of Uncertain Significance.

NM_021020.5(LZTS1):c.425C>T (p.Pro142Leu)

Gene: LZTS1 (leucine zipper tumor suppressor 1; minus strand). Cytogenetic location: 8p21.3.
Variant type: single nucleotide variant.
Coding change: c.425C>T on transcript NM_021020.5 (MANE Select); coding-DNA position 425, C replaced by T.
Protein change: p.Pro142Leu; replaces proline 142 with leucine.
Molecular consequence: missense variant.
Genome position (GRCh38, 1-based): chr8:20,253,506, G>A on the plus strand (C>T on the coding strand, the complement: LZTS1 is on the minus strand). VCF-style: chr8-20253506-G-A. GRCh37 (hg19) VCF-style: chr8-20111017-G-A.
Other names: c.425C>T, p.Pro142Leu (NM_001362884.2); short protein forms P142L.
Identifiers: ClinVar variation 4548722 (VCV004548722.2).
Genomic context (GRCh38, chr8:20,253,506, plus strand): 5'-AGCTCCTGCTCCTTGGGCTTGTCTGGAGGGGCGGGGTGCAGCTGGTGGCTGGCACTCTCC[G>A]GGGAGGAGTGCAGGATGGCTCCTGACCGTGGCAGCACAGGCTTGAAGGCTGTGGGCCTCA-3'
Protein context (NP_066300.1, residues 132-152): PRSGAILHSS[Pro142Leu]ESASHQLHPA